The following is an entry in ClinVar:

NM_006343.3(MERTK):c.34C>T (p.Leu12Phe)

Gene: MERTK (MER proto-oncogene, tyrosine kinase; plus strand). Cytogenetic location: 2q13.
Variant type: single nucleotide variant.
Coding change: c.34C>T on transcript NM_006343.3 (MANE Select); coding-DNA position 34, C replaced by T.
Protein change: p.Leu12Phe; replaces leucine 12 with phenylalanine.
Molecular consequence: missense variant.
Genome position (GRCh38, 1-based): chr2:111,898,769, C>T. VCF-style: chr2-111898769-C-T. GRCh37 (hg19) VCF-style: chr2-112656346-C-T.
Other names: short protein forms L12F.
Identifiers: ClinVar variation 1429779 (VCV001429779.6), dbSNP rs755593299, ClinGen allele CA1830945.

ClinVar aggregate classification (germline): Uncertain significance (1 of 4 stars; one submission).

Allele frequency attached by ClinVar (database versions not stated): gnomAD exomes below 0.00001 and 0.00002; ExAC 0.00003.
gnomAD v4.1: 3 of 1,602,992 alleles (0.00019%); highest among the groups gnomAD compares: Admixed American, 0.0017%; no homozygotes.

Submission:

Labcorp Genetics (formerly Invitae), Labcorp
Classification: Uncertain significance. Last evaluated: 2021-11-06. Review status: criteria provided, single submitter. Criteria: Invitae Variant Classification Sherloc (09022015). Collection method: clinical testing. Allele origin: germline.
Comment: In summary, the available evidence is currently insufficient to determine the role of this variant in disease. Therefore, it has been classified as a Variant of Uncertain Significance. Algorithms developed to predict the effect of missense changes on protein structure and function output the following: SIFT: "Tolerated"; PolyPhen-2: "Not Available"; Align-GVGD: "Class C0". The phenylalanine amino acid residue is found in multiple mammalian species, which suggests that this missense change does not adversely affect protein function. This variant has not been reported in the literature in individuals affected with MERTK-related conditions. This variant is present in population databases (rs755593299, gnomAD 0.009%). This sequence change replaces leucine, which is neutral and non-polar, with phenylalanine, which is neutral and non-polar, at codon 12 of the MERTK protein (p.Leu12Phe).